The following is an entry in ClinVar:

NM_015057.5(MYCBP2):c.7816_7817inv (p.Cys2606His)

Gene: MYCBP2 (MYC binding protein 2; minus strand). Cytogenetic location: 13q22.3.
Variant type: Inversion.
Coding change: c.7816_7817inv on transcript NM_015057.5 (MANE Select).
Protein change: p.Cys2606His; replaces cysteine 2606 with histidine.
Molecular consequence: missense variant.
Genome position: GRCh38 VCF-style: chr13-77126385-CA-TG. GRCh37 (hg19) VCF-style: chr13-77700520-CA-TG.
Other names: short protein forms C2606H.
Identifiers: ClinVar variation 4685211 (VCV004685211.2).

ClinVar aggregate classification (germline): Uncertain significance (1 of 4 stars; one submission).

Submission:

GeneDx
Classification: Uncertain significance. Last evaluated: 2026-02-27. Review status: criteria provided, single submitter. Criteria: GeneDx Variant Classification Process June 2021. Collection method: clinical testing. Allele origin: germline.
Comment: Not observed at significant frequency in large population cohorts (gnomAD); In silico analysis supports a deleterious effect on protein structure/function; Has not been previously published as pathogenic or benign to our knowledge